The following is an entry in ClinVar:

ClinVar aggregate classification (germline): Uncertain significance (1 of 4 stars; one submission).

Allele frequency attached by ClinVar (database versions not stated): TOPMed 0.00002; ExAC 0.00002.
gnomAD v4.1: 2 of 1,608,960 alleles (0.00012%); highest among the groups gnomAD compares: East Asian, 0.0045%; no homozygotes.

Submission:

GeneDx
Classification: Uncertain significance. Last evaluated: 2017-01-24. Review status: criteria provided, single submitter. Criteria: GeneDx Variant Classification (06012015). Collection method: clinical testing. Allele origin: germline. Affected: yes.
Comment: The E125D variant in the VEGFC gene has not been reported previously as a pathogenic variant, nor as a benign variant, to our knowledge. This variant was not observed in approximately 6100 individuals of European and African American ancestry in the NHLBI Exome Sequencing Project, indicating it is not a common benign variant in these populations. The E125D variant is a conservative amino acid substitution, which is not likely to impact secondary protein structure as these residues share similar properties. This substitution occurs at a position that is conserved across species. In silico analysis is inconsistent in its predictions as to whether or not the variant is damaging to the protein structure/function. We interpret E125D as a variant of uncertain significance.

NM_005429.5(VEGFC):c.375G>C (p.Glu125Asp)

Gene: VEGFC (vascular endothelial growth factor C; minus strand). Cytogenetic location: 4q34.3.
Variant type: single nucleotide variant.
Coding change: c.375G>C on transcript NM_005429.5 (MANE Select); coding-DNA position 375, G replaced by C.
Protein change: p.Glu125Asp; replaces glutamic acid 125 with aspartic acid.
Molecular consequence: missense variant.
Genome position (GRCh38, 1-based): chr4:176,727,955, C>G on the plus strand (G>C on the coding strand, the complement: VEGFC is on the minus strand). VCF-style: chr4-176727955-C-G. GRCh37 (hg19) VCF-style: chr4-177649109-C-G.
Other names: short protein forms E125D.
Identifiers: ClinVar variation 392821 (VCV000392821.2), dbSNP rs767851455, ClinGen allele CA3145933.